The following is an entry in ClinVar:

NM_000283.4(PDE6B):c.377C>G (p.Pro126Arg)

Gene: PDE6B (phosphodiesterase 6B; plus strand). Cytogenetic location: 4p16.3.
Variant type: single nucleotide variant.
Coding change: c.377C>G on transcript NM_000283.4 (MANE Select); coding-DNA position 377, C replaced by G.
Protein change: p.Pro126Arg; replaces proline 126 with arginine.
Molecular consequence: missense variant.
Genome position (GRCh38, 1-based): chr4:626,003, C>G. VCF-style: chr4-626003-C-G. GRCh37 (hg19) VCF-style: chr4-619792-C-G.
Other names: c.377C>G, p.Pro126Arg (NM_001145291.2); c.377C>G (NM_000283.3); short protein forms P126R.
Identifiers: ClinVar variation 2004032 (VCV002004032.5), dbSNP rs1253425548, ClinGen allele CA355907016.
Genomic context (GRCh38, chr4:626,003, plus strand): 5'-TGGCCACCAGGCTTTTCAGCGTGCAGCCGGACAGCGTCCTGGAGGACTGCCTGGTGCCCC[C>G]CGACTCCGAGATCGTCTTCCCACTGGACATCGGGGTCGTGGGCCACGTGGCTCAGACCAA-3'
Protein context (NP_000274.3, residues 116-136): DSVLEDCLVP[Pro126Arg]DSEIVFPLDI

ClinVar aggregate classification (germline): Uncertain significance. Review status: criteria provided, multiple submitters, no conflicts (2 of 4 stars). 2 submissions from 2 submitters: Uncertain significance (2). Last evaluated 2025-03-22.

Conditions:
Inborn genetic diseases. Identifiers: MedGen C0950123, MeSH D030342.

Allele frequency attached by ClinVar (database versions not stated): gnomAD exomes below 0.00001.
gnomAD v4.1: 1 of 1,585,586 alleles (0.000063%); highest among the groups gnomAD compares: Non-Finnish European, 0.000086%; no homozygotes.

Submissions (2):

Ambry Genetics
Classification: Uncertain significance for Inborn genetic diseases. Last evaluated: 2025-03-22. Review status: criteria provided, single submitter. Criteria: Ambry Variant Classification Scheme 2023. Collection method: clinical testing. Allele origin: germline.

Labcorp Genetics (formerly Invitae), Labcorp
Classification: Uncertain significance. Last evaluated: 2022-06-09. Review status: criteria provided, single submitter. Criteria: Invitae Variant Classification Sherloc (09022015). Collection method: clinical testing. Allele origin: germline.
Comment: This variant is present in population databases (no rsID available, gnomAD no frequency). This sequence change replaces proline, which is neutral and non-polar, with arginine, which is basic and polar, at codon 126 of the PDE6B protein (p.Pro126Arg). This variant has not been reported in the literature in individuals affected with PDE6B-related conditions. Algorithms developed to predict the effect of missense changes on protein structure and function are either unavailable or do not agree on the potential impact of this missense change (SIFT: "Deleterious"; PolyPhen-2: "Probably Damaging"; Align-GVGD: "Class C0"). In summary, the available evidence is currently insufficient to determine the role of this variant in disease. Therefore, it has been classified as a Variant of Uncertain Significance.